The following is an entry in ClinVar:

NM_005359.6(SMAD4):c.400G>A (p.Glu134Lys)

Gene: SMAD4 (SMAD family member 4; plus strand). Cytogenetic location: 18q21.2.
Variant type: single nucleotide variant.
Coding change: c.400G>A on transcript NM_005359.6 (MANE Select); coding-DNA position 400, G replaced by A.
Protein change: p.Glu134Lys; replaces glutamic acid 134 with lysine.
Molecular consequence: missense variant.
Genome position (GRCh38, 1-based): chr18:51,048,836, G>A. VCF-style: chr18-51048836-G-A. GRCh37 (hg19) VCF-style: chr18-48575206-G-A.
Other names: short protein forms E134K.
Identifiers: ClinVar variation 1332343 (VCV001332343.10), dbSNP rs748395067, ClinGen allele CA402458771.

ClinVar aggregate classification (germline): Uncertain significance. Review status: criteria provided, multiple submitters, no conflicts (2 of 4 stars). 3 submissions from 3 submitters: Uncertain significance (3). Last evaluated 2024-03-14.

Conditions:
Hereditary cancer-predisposing syndrome. Also called: Hereditary Cancer Syndrome; Hereditary neoplastic syndrome; Neoplastic Syndromes, Hereditary; Tumor predisposition. Identifiers: Orphanet 140162, MedGen C0027672, MeSH D009386, MONDO:0015356.
Juvenile polyposis syndrome (JPS). Identifiers: Orphanet 2929, MedGen C0345893, MONDO:0017380, OMIM 174900.
Familial thoracic aortic aneurysm and aortic dissection (TAAD). Also called: Thoracic aortic aneurysms and dissections. Identifiers: Orphanet 91387, MedGen C4707243, MONDO:0019625.

Allele frequency attached by ClinVar (database versions not stated): gnomAD 0.00001.
gnomAD v4.1: 2 of 1,613,606 alleles (0.00012%); highest among the groups gnomAD compares: Admixed American, 0.0017%; no homozygotes.

Submissions (3):

Labcorp Genetics (formerly Invitae), Labcorp
Classification: Uncertain significance for Juvenile polyposis syndrome. Last evaluated: 2024-03-14. Review status: criteria provided, single submitter. Criteria: Invitae Variant Classification Sherloc (09022015). Collection method: clinical testing. Allele origin: germline.
Comment: This sequence change replaces glutamic acid, which is acidic and polar, with lysine, which is basic and polar, at codon 134 of the SMAD4 protein (p.Glu134Lys). This variant is not present in population databases (gnomAD no frequency). This variant has not been reported in the literature in individuals affected with SMAD4-related conditions. ClinVar contains an entry for this variant (Variation ID: 1332343). Advanced modeling of protein sequence and biophysical properties (such as structural, functional, and spatial information, amino acid conservation, physicochemical variation, residue mobility, and thermodynamic stability) has been performed at Invitae for this missense variant, however the output from this modeling did not meet the statistical confidence thresholds required to predict the impact of this variant on SMAD4 protein function. In summary, the available evidence is currently insufficient to determine the role of this variant in disease. Therefore, it has been classified as a Variant of Uncertain Significance.

Ambry Genetics
Classification: Uncertain significance for Hereditary cancer-predisposing syndrome; Familial thoracic aortic aneurysm and aortic dissection. Last evaluated: 2024-02-27. Review status: criteria provided, single submitter. Criteria: Ambry Variant Classification Scheme 2023. Collection method: clinical testing. Allele origin: germline.
Comment: The p.E134K variant (also known as c.400G>A), located in coding exon 2 of the SMAD4 gene, results from a G to A substitution at nucleotide position 400. The glutamic acid at codon 134 is replaced by lysine, an amino acid with similar properties. This amino acid position is highly conserved in available vertebrate species. In addition, this alteration is predicted to be deleterious by in silico analysis. Since supporting evidence is limited at this time, the clinical significance of this alteration remains unclear.

Color Diagnostics, LLC DBA Color Health
Classification: Uncertain significance for Hereditary cancer-predisposing syndrome. Last evaluated: 2021-06-14. Review status: criteria provided, single submitter. Criteria: ACMG Guidelines, 2015. Collection method: clinical testing. Allele origin: germline.
Comment: This missense variant replaces glutamic acid with lysine at codon 134 of the SMAD4 protein. Computational prediction is inconclusive regarding the impact of this variant on protein structure and function (internally defined REVEL score threshold 0.5 < inconclusive < 0.7, PMID: 27666373). To our knowledge, functional studies have not been reported for this variant. This variant has not been reported in individuals affected with hereditary cancer in the literature. This variant has not been identified in the general population by the Genome Aggregation Database (gnomAD). The available evidence is insufficient to determine the role of this variant in disease conclusively. Therefore, this variant is classified as a Variant of Uncertain Significance.